The following is an entry in ClinVar:

NM_001385079.1(PDE10A):c.3042G>A (p.Thr1014=)

Gene: PDE10A (phosphodiesterase 10A; minus strand). Cytogenetic location: 6q27.
Variant type: single nucleotide variant.
Coding change: c.3042G>A on transcript NM_001385079.1 (MANE Select); coding-DNA position 3042, G replaced by A.
Protein change: p.Thr1014=; no amino-acid change (threonine 1014 retained).
Molecular consequence: synonymous variant.
Genome position (GRCh38, 1-based): chr6:165,336,146, C>T on the plus strand (G>A on the coding strand, the complement: PDE10A is on the minus strand). VCF-style: chr6-165336146-C-T. GRCh37 (hg19) VCF-style: chr6-165749635-C-T.
Other names: c.2244G>A, p.Thr748= (NM_001130690.3); c.2214G>A, p.Thr738= (NM_006661.4).
Identifiers: ClinVar variation 1491346 (VCV001491346.8), dbSNP rs377355629, ClinGen allele CA4091939.

ClinVar aggregate classification (germline): Uncertain significance (1 of 4 stars; one submission).

Allele frequency attached by ClinVar (database versions not stated): gnomAD 0.00003 and 0.00004; gnomAD exomes 0.00004; ExAC 0.00005; TOPMed 0.00007; ESP Exome Variant Server 0.00008.
gnomAD v4.1: 63 of 1,613,388 alleles (0.0039%); highest among the groups gnomAD compares: Middle Eastern, 0.016%; no homozygotes.

Submission:

Labcorp Genetics (formerly Invitae), Labcorp
Classification: Uncertain significance. Last evaluated: 2023-07-19. Review status: criteria provided, single submitter. Criteria: Invitae Variant Classification Sherloc (09022015). Collection method: clinical testing. Allele origin: germline.
Comment: ClinVar contains an entry for this variant (Variation ID: 1491346). Algorithms developed to predict the effect of sequence changes on RNA splicing suggest that this variant may disrupt the consensus splice site. In summary, the available evidence is currently insufficient to determine the role of this variant in disease. Therefore, it has been classified as a Variant of Uncertain Significance. This variant has not been reported in the literature in individuals affected with PDE10A-related conditions. This sequence change affects codon 748 of the PDE10A mRNA. It is a 'silent' change, meaning that it does not change the encoded amino acid sequence of the PDE10A protein. This variant is present in population databases (rs377355629, gnomAD 0.008%).